The following is an entry in ClinVar:

NM_212482.4(FN1):c.5127C>T (p.Ser1709=)

Gene: FN1 (fibronectin 1; minus strand). Cytogenetic location: 2q35.
Variant type: single nucleotide variant.
Coding change: c.5127C>T on transcript NM_212482.4 (MANE Select); coding-DNA position 5127, C replaced by T.
Protein change: p.Ser1709=; no amino-acid change (serine 1709 retained).
Molecular consequence: synonymous variant.
Genome position (GRCh38, 1-based): chr2:215,382,249, G>A on the plus strand (C>T on the coding strand, the complement: FN1 is on the minus strand). VCF-style: chr2-215382249-G-A. GRCh37 (hg19) VCF-style: chr2-216246972-G-A.
Other names: c.5127C>T, p.Ser1709= (NM_001306129.2, NM_001306130.2, NM_001365517.2 and 3 more transcripts); c.4854C>T, p.Ser1618= (NM_001306131.2, NM_001306132.2, NM_001365518.2 and 7 more transcripts).
Identifiers: ClinVar variation 1620585 (VCV001620585.22), dbSNP rs778102824, ClinGen allele CA2094227.

ClinVar aggregate classification (germline): Likely benign. Review status: criteria provided, multiple submitters, no conflicts (2 of 4 stars). 2 submissions from 2 submitters: Likely benign (2). Last evaluated 2024-10-01.

Allele frequency attached by ClinVar (database versions not stated): ExAC 0.00001; gnomAD exomes 0.00002.
gnomAD v4.1: 27 of 1,613,542 alleles (0.0017%); highest among the groups gnomAD compares: African/African-American, 0.0053%; no homozygotes.

Submissions (2):

CeGaT Center for Human Genetics Tuebingen
Classification: Likely benign. Last evaluated: 2024-10-01. Review status: criteria provided, single submitter. Criteria: CeGaT Center For Human Genetics Tuebingen Variant Classification Criteria Version 2. Collection method: clinical testing. Allele origin: germline. Affected: yes. Observed: 1 variant allele.
Comment: FN1: BP4, BP7

Labcorp Genetics (formerly Invitae), Labcorp
Classification: Likely benign. Last evaluated: 2023-11-07. Review status: criteria provided, single submitter. Criteria: Invitae Variant Classification Sherloc (09022015). Collection method: clinical testing. Allele origin: germline.